The following is an entry in ClinVar:

NM_001365276.2(TNXB):c.10114G>A (p.Gly3372Ser)

Gene: TNXB (tenascin XB; minus strand). Cytogenetic location: 6p21.33.
Variant type: single nucleotide variant.
Coding change: c.10114G>A on transcript NM_001365276.2 (MANE Select); coding-DNA position 10114, G replaced by A.
Protein change: p.Gly3372Ser; replaces glycine 3372 with serine.
Molecular consequence: missense variant.
Genome position (GRCh38, 1-based): chr6:32,047,944, C>T on the plus strand (G>A on the coding strand, the complement: TNXB is on the minus strand). VCF-style: chr6-32047944-C-T. GRCh37 (hg19) VCF-style: chr6-32015721-C-T.
Other names: c.10855G>A, p.Gly3619Ser (NM_001428335.1); c.10108G>A, p.Gly3370Ser (NM_019105.8); c.10108G>A (NM_019105.6); short protein forms G3370S, G3372S, G3619S.
Identifiers: ClinVar variation 4849187 (VCV004849187.2).
Genomic context (GRCh38, chr6:32,047,944, plus strand): 5'-TATCCTTGTACTGGACCACGAAGGAGTCGAATTCGCCCTCAGGGACCGTCCACGAGAGGC[C>T]CACGGAGTCAGGGGTCGCATCTGTCACAGTCAGCTCCCCCAGGCGGGGAGACGGTTTGGT-3'
Protein context (NP_001352205.1, residues 3362-3382): TVTDATPDSV[Gly3372Ser]LSWTVPEGEF

ClinVar aggregate classification (germline): Uncertain significance. Review status: criteria provided, multiple submitters, no conflicts (2 of 4 stars). 2 submissions from 2 submitters: Uncertain significance (2). Last evaluated 2026-09-02.

Conditions:
Cardiovascular phenotype. Identifiers: MedGen CN230736.

gnomAD v4.1: 23 of 1,612,142 alleles (0.0014%); highest among the groups gnomAD compares: Non-Finnish European, 0.0018%; no homozygotes.

Submissions (2):

Ambry Genetics
Classification: Uncertain significance for Cardiovascular phenotype. Last evaluated: 2026-09-02. Review status: criteria provided, single submitter. Criteria: Ambry Variant Classification Scheme 2023. Collection method: clinical testing. Allele origin: germline.
Comment: The c.10108G>A (p.G3370S) alteration is located in exon 30 (coding exon 29) of the TNXB gene. This alteration results from a G to A substitution at nucleotide position 10108, causing the glycine (G) at amino acid position 3370 to be replaced by a serine (S). Based on data from gnomAD, the A allele has an overall frequency of 0.003% (1/31372) total alleles studied. The highest observed frequency was 0.012% (1/8710) of African alleles. Based on insufficient or conflicting evidence, the clinical significance of this alteration remains unclear.

Women's Health and Genetics/Laboratory Corporation of America, LabCorp
Classification: Uncertain significance. Last evaluated: 2026-04-29. Review status: criteria provided, single submitter. Criteria: LabCorp Variant Classification Summary - May 2015. Collection method: clinical testing. Allele origin: germline.
Comment: Variant summary: TNXB c.10108G>A (p.Gly3370Ser) results in a non-conservative amino acid change located in the Fibronectin type-III repeat domain (IPR003961) of the encoded protein sequence. Algorithms developed to predict the effect of missense changes on protein structure and function are either unavailable or do not agree on the potential impact of this missense change. The variant allele was found at a frequency of 1.4e-05 in 1605146 control chromosomes in the gnomAD database (v4.1 dataset). This frequency is not significantly higher than estimated for disease-causing variants in TNXB, allowing no conclusion about variant significance. To our knowledge, no occurrence of c.10108G>A in individuals affected with TNXB-related conditions and no experimental evidence demonstrating its impact on protein function have been reported. No submitters have cited clinical-significance assessments for this variant to ClinVar. Based on the evidence outlined above, the variant was classified as uncertain significance.